The following is an entry in ClinVar:

ClinVar aggregate classification (germline): Uncertain significance. Review status: criteria provided, multiple submitters, no conflicts (2 of 4 stars). 7 submissions from 7 submitters: Uncertain significance (5). 2 of the submissions do not count toward it. Last evaluated 2024-09-30.

Conditions:
ERCC4-related disorder. Also called: ERCC4-related condition.
Fanconi anemia complementation group Q. Identifiers: Orphanet 84, MedGen C3808988, MONDO:0014108, OMIM 615272.
Xeroderma pigmentosum, group F (XPF). Also called: XERODERMA PIGMENTOSUM VI; XP, GROUP F; XERODERMA PIGMENTOSUM, TYPE F; Xeroderma pigmentosum, type 6; XERODERMA PIGMENTOSUM, COMPLEMENTATION GROUP F; ERCC4-Related Xeroderma Pigmentosum. Identifiers: MedGen C0268140, MONDO:0010215, OMIM 278760.
Cockayne syndrome. Identifiers: Orphanet 191, MedGen C0009207, MONDO:0016006.
XFE progeroid syndrome (XFEPS). Also called: XPF-ERCC1 PROGEROID SYNDROME. Identifiers: MedGen C1970416, MONDO:0012590, OMIM 610965.
Xeroderma pigmentosum (XP). Identifiers: Orphanet 910, MedGen C0043346, MONDO:0019600.

Allele frequency attached by ClinVar (database versions not stated): gnomAD 0.00003; gnomAD exomes 0.00003 and 0.00002; TOPMed 0.00003; ExAC 0.00003.
gnomAD v4.1: 57 of 1,607,758 alleles (0.0035%); highest among the groups gnomAD compares: Middle Eastern, 0.033%; no homozygotes.

Submissions (7):

Labcorp Genetics (formerly Invitae), Labcorp
Classification: Uncertain significance for Fanconi anemia complementation group Q; Xeroderma pigmentosum, group F; Cockayne syndrome. Last evaluated: 2024-09-30. Review status: criteria provided, single submitter. Criteria: Invitae Variant Classification Sherloc (09022015). Collection method: clinical testing. Allele origin: germline.
Comment: This sequence change replaces leucine, which is neutral and non-polar, with phenylalanine, which is neutral and non-polar, at codon 27 of the ERCC4 protein (p.Leu27Phe). This variant is present in population databases (rs587778282, gnomAD 0.002%). This variant has not been reported in the literature in individuals affected with ERCC4-related conditions. ClinVar contains an entry for this variant (Variation ID: 134132). Invitae Evidence Modeling of protein sequence and biophysical properties (such as structural, functional, and spatial information, amino acid conservation, physicochemical variation, residue mobility, and thermodynamic stability) indicates that this missense variant is not expected to disrupt ERCC4 protein function with a negative predictive value of 80%. In summary, the available evidence is currently insufficient to determine the role of this variant in disease. Therefore, it has been classified as a Variant of Uncertain Significance.

Blueprint Genetics
Classification: Uncertain significance. Last evaluated: 2023-05-10. Review status: criteria provided, single submitter. Criteria: ACMG Guidelines, 2015. Collection method: clinical testing. Allele origin: germline.

Fulgent Genetics
Classification: Uncertain significance for Xeroderma pigmentosum, group F; XFE progeroid syndrome; Fanconi anemia complementation group Q. Last evaluated: 2021-12-30. Review status: criteria provided, single submitter. Criteria: ACMG Guidelines, 2015. Collection method: clinical testing. Allele origin: unknown.

Sema4
Classification: Uncertain significance for Xeroderma pigmentosum. Last evaluated: 2021-06-14. Review status: criteria provided, single submitter. Criteria: Sema4 Curation Guidelines. Collection method: curation. Allele origin: germline.
Comment: To the best of our knowledge, the ERCC4 c.79C>T (p.L27F) variant has not been reported in individuals with ERCC4-related disease. It was observed in 3/128134 chromosomes of the Non-Finnish European subpopulation in the large and broad cohorts of the Genome Aggregation Database (PMID: 32461654). The variant has been reported in ClinVar (Variation ID 134132). In silico tools suggest the impact of the variant on protein function is benign though these predictions have not been confirmed by functional studies. The evidence is insufficient to meet ACMG/AMP criteria for classifying the variant as benign or pathogenic. Thus, the clinical significance of this variant is currently uncertain.

Illumina Laboratory Services, Illumina
Classification: Uncertain significance for Xeroderma pigmentosum, group F. Last evaluated: 2018-01-13. Review status: criteria provided, single submitter. Criteria: ICSL Variant Classification Criteria 13 December 2019. Collection method: clinical testing. Allele origin: germline.

PreventionGenetics, part of Exact Sciences
Classification: Uncertain significance for ERCC4-related condition. Last evaluated: 2024-08-07. Review status: no assertion criteria provided. Collection method: clinical testing. Allele origin: germline. Not counted in ClinVar's aggregate classification.
Comment: The ERCC4 c.79C>T variant is predicted to result in the amino acid substitution p.Leu27Phe. This variant has been reported in an individual with pancreatic neuroendocrine tumor (eTable 4, Yin et al. 2022. PubMed ID: 35171259). This variant is reported in 0.0023% of alleles in individuals of European (Non-Finnish) descent in gnomAD. At this time, the clinical significance of this variant is uncertain due to the absence of conclusive functional and genetic evidence.

ITMI
No classification provided. Condition: AllHighlyPenetrant. Last evaluated: 2013-09-19. Review status: no classification provided. Collection method: reference population. Allele origin: germline. Not counted in ClinVar's aggregate classification.
Comment: Please see associated publication for description of ethnicities

Literature cited by the submitters: PubMed 24728327 (cited by ITMI).

NM_005236.3(ERCC4):c.79C>T (p.Leu27Phe)

Genes: ERCC4 (ERCC excision repair 4, endonuclease catalytic subunit; plus strand), LOC130058543 (ATAC-STARR-seq lymphoblastoid active region 10486; plus strand). Cytogenetic location: 16p13.12.
Variant type: single nucleotide variant.
Coding change: c.79C>T on transcript NM_005236.3 (MANE Select); coding-DNA position 79, C replaced by T.
Protein change: p.Leu27Phe; replaces leucine 27 with phenylalanine.
Molecular consequence: missense variant.
Genome position (GRCh38, 1-based): chr16:13,920,244, C>T. VCF-style: chr16-13920244-C-T. GRCh37 (hg19) VCF-style: chr16-14014101-C-T.
Other names: short protein forms L27F.
Identifiers: ClinVar variation 134132 (VCV000134132.13), dbSNP rs587778282, ClinGen allele CA158858.
Genomic context (GRCh38, chr16:13,920,244, plus strand): 5'-GCTCGACGGATTGCCATGGCGCCGCTGCTGGAGTACGAGCGACAGCTGGTGCTGGAACTG[C>T]TCGACACTGACGGGCTAGTAGTGTGCGCCCGCGGGCTCGGCGCGGACCGGCTCCTCTACC-3'
Protein context (NP_005227.1, residues 17-37): EYERQLVLEL[Leu27Phe]DTDGLVVCAR